The following is an entry in ClinVar:

ClinVar aggregate classification (germline): Uncertain significance. Review status: criteria provided, multiple submitters, no conflicts (2 of 4 stars). 2 submissions from 2 submitters: Uncertain significance (2). Last evaluated 2021-08-25.

Conditions:
Focal segmental glomerulosclerosis 5 (FSGS5). Identifiers: Orphanet 656, MedGen C2750475, MONDO:0013191, OMIM 613237.
Charcot-Marie-Tooth disease dominant intermediate E. Also called: CHARCOT-MARIE-TOOTH NEUROPATHY WITH FOCAL SEGMENTAL GLOMERULONEPHRITIS. Identifiers: Orphanet 93114, MedGen C4302667, MONDO:0013758, OMIM 614455.

gnomAD v4.1: 4 of 1,612,542 alleles (0.00025%); highest among the groups gnomAD compares: Non-Finnish European, 0.00034%; no homozygotes.

Submissions (2):

Fulgent Genetics
Classification: Uncertain significance for Focal segmental glomerulosclerosis 5; Charcot-Marie-Tooth disease dominant intermediate E. Last evaluated: 2021-08-25. Review status: criteria provided, single submitter. Criteria: ACMG Guidelines, 2015. Collection method: clinical testing. Allele origin: unknown.

Labcorp Genetics (formerly Invitae), Labcorp
Classification: Uncertain significance for Charcot-Marie-Tooth disease dominant intermediate E; Focal segmental glomerulosclerosis 5. Last evaluated: 2021-05-17. Review status: criteria provided, single submitter. Criteria: Invitae Variant Classification Sherloc (09022015). Collection method: clinical testing. Allele origin: germline.
Comment: This sequence change replaces glutamic acid with lysine at codon 254 of the INF2 protein (p.Glu254Lys). The glutamic acid residue is moderately conserved and there is a small physicochemical difference between glutamic acid and lysine. This variant is not present in population databases (ExAC no frequency). In summary, the available evidence is currently insufficient to determine the role of this variant in disease. Therefore, it has been classified as a Variant of Uncertain Significance. Algorithms developed to predict the effect of missense changes on protein structure and function are either unavailable or do not agree on the potential impact of this missense change (SIFT: "Tolerated"; PolyPhen-2: "Probably Damaging"; Align-GVGD: "Class C0"). This variant has not been reported in the literature in individuals with INF2-related conditions.

NM_022489.4(INF2):c.760G>A (p.Glu254Lys)

Gene: INF2 (inverted formin 2; plus strand). Cytogenetic location: 14q32.33.
Variant type: single nucleotide variant.
Coding change: c.760G>A on transcript NM_022489.4 (MANE Select); coding-DNA position 760, G replaced by A.
Protein change: p.Glu254Lys; replaces glutamic acid 254 with lysine.
Molecular consequence: missense variant.
Genome position (GRCh38, 1-based): chr14:104,706,093, G>A. VCF-style: chr14-104706093-G-A. GRCh37 (hg19) VCF-style: chr14-105172430-G-A.
Other names: c.760G>A, p.Glu254Lys (NM_001031714.4); short protein forms E254K.
Identifiers: ClinVar variation 1375053 (VCV001375053.9), dbSNP rs1595169407, ClinGen allele CA391214000.